The following is an entry in ClinVar:

ClinVar aggregate classification (germline): Pathogenic (1 of 4 stars; one submission).

Conditions:
Ehlers-Danlos syndrome, classic type, 1 (EDSCL1). Also called: EDS I; Ehlers-Danlos syndrome, type 1; Ehlers-Danlos Syndrome, Classic Type, COL5A1-Related; EHLERS-DANLOS SYNDROME, GRAVIS TYPE; EHLERS-DANLOS SYNDROME, SEVERE CLASSIC TYPE. Identifiers: MedGen C0268335, MONDO:0019567, OMIM 130000.

Submission:

Labcorp Genetics (formerly Invitae), Labcorp
Classification: Pathogenic for Ehlers-Danlos syndrome, classic type, 1. Last evaluated: 2018-11-21. Review status: criteria provided, single submitter. Criteria: Invitae Variant Classification Sherloc (09022015). Collection method: clinical testing. Allele origin: germline.
Comment: This sequence change creates a premature translational stop signal (p.Gly1249Alafs*27) in the COL5A1 gene. It is expected to result in an absent or disrupted protein product. This variant is not present in population databases (ExAC no frequency). This variant has not been reported in the literature in individuals with COL5A1-related disease. ClinVar contains an entry for this variant (Variation ID: 573613). Loss-of-function variants in COL5A1 are known to be pathogenic (PMID: 23587214). For these reasons, this variant has been classified as Pathogenic.

Literature cited by the submitters: PubMed 23587214.

NC_000009.12:g.134812606del

Gene: COL5A1 (collagen type V alpha 1 chain; plus strand). Cytogenetic location: 9q34.3.
Variant type: Deletion.
Genome position: GRCh38 VCF-style: chr9-134812603-AG-A. GRCh37 (hg19) VCF-style: chr9-137704449-AG-A.
Identifiers: ClinVar variation 573613 (VCV000573613.9), dbSNP rs35002351, ClinGen allele CA201090028.